The following is an entry in ClinVar:

ClinVar aggregate classification (germline): Pathogenic (1 of 4 stars; one submission).

Conditions:
Hereditary cancer-predisposing syndrome. Also called: Neoplastic Syndromes, Hereditary; Tumor predisposition; Hereditary Cancer Syndrome; Hereditary neoplastic syndrome. Identifiers: Orphanet 140162, MedGen C0027672, MeSH D009386, MONDO:0015356.

Submission:

Ambry Genetics
Classification: Pathogenic for Hereditary cancer-predisposing syndrome. Last evaluated: 2018-03-21. Review status: criteria provided, single submitter. Criteria: Ambry Variant Classification Scheme 2023. Collection method: clinical testing. Allele origin: germline.
Comment: The c.2199_2203delTACTC pathogenic mutation, located in coding exon 5 of the PALB2 gene, results from a deletion of 5 nucleotides at nucleotide positions 2199 to 2203, causing a translational frameshift with a predicted alternate stop codon (p.T734Sfs*9). This alteration is expected to result in loss of function by premature protein truncation or nonsense-mediated mRNA decay. As such, this alteration is interpreted as a disease-causing mutation.

NM_024675.4(PALB2):c.2199_2203del (p.Thr734fs)

Gene: PALB2 (partner and localizer of BRCA2; minus strand). Cytogenetic location: 16p12.2.
Variant type: Deletion.
Coding change: c.2199_2203del on transcript NM_024675.4 (MANE Select); coding-DNA positions 2199 to 2203, 5 bases deleted (TACTC; older notation c.2199_2203delTACTC).
Protein change: p.Thr734fs; shifts the reading frame from threonine 734.
Molecular consequence: frameshift variant.
Genome position (GRCh38, 1-based): chr16:23,629,951-23,629,955, GAGTA deleted on the plus strand (TACTC on the coding strand, the reverse complement: PALB2 is on the minus strand); deleting any 5 consecutive bases within chr16:23,629,951-23,629,956 gives the same sequence; the c. name uses the placement nearest the transcript's 3' end. VCF-style (leftmost placement, unchanged base first): chr16-23629950-GGAGTA-G. GRCh37 (hg19) VCF-style: chr16-23641271-GGAGTA-G.
Other names: c.2199_2203delTACTC (NM_024675.3); c.2138_2142delCTACT, p.Thr714Serfs (NM_001407296.1); c.2198_2202delCTACT, p.Thr734Serfs (NM_001407297.1, NM_001407298.1, NM_001407299.1 and 3 more transcripts); c.1313_1317delCTACT, p.Thr439Serfs (NM_001407304.1, NM_001407305.1, NM_001407306.1 and 5 more transcripts); c.410_414delCTACT, p.Thr138Serfs (NM_001407312.1, NM_001407313.1); short protein forms T734fs.
Identifiers: ClinVar variation 1787527 (VCV001787527.2), dbSNP rs2506417496, ClinGen allele CA2580091358.